The following is an entry in ClinVar:

ClinVar aggregate classification (germline): Pathogenic (1 of 4 stars; one submission).

Conditions:
Duchenne muscular dystrophy (DMD). Also called: Duchenne Muscular Dystrophy (DMD); MUSCULAR DYSTROPHY, PSEUDOHYPERTROPHIC PROGRESSIVE, DUCHENNE TYPE. Identifiers: Orphanet 98896, MedGen C0013264, MONDO:0010679, OMIM 310200.

Submission:

Labcorp Genetics (formerly Invitae), Labcorp
Classification: Pathogenic for Duchenne muscular dystrophy. Last evaluated: 2019-05-24. Review status: criteria provided, single submitter. Criteria: Invitae Variant Classification Sherloc (09022015). Collection method: clinical testing. Allele origin: germline.
Comment: This variant is a gross duplication of the genomic region encompassing exons 50-55 of the DMD gene. While the exact position of the duplicated exons cannot be determined from this data, the duplicated copy of this region is likely in tandem and in-frame, therefore preserving the integrity of the reading frame. Duplication of exons 50-55 has been reported in the literature in individuals affected with Becker or Duchenne muscular dystrophy (PMID: 12111668, 16917894). In addition, family studies have indicated that this variant was not present in the parents of an individual with muscular dystrophy, which suggests that it was de novo in that affected individual (Invitae). For these reasons, this variant has been classified as Pathogenic.

Literature cited by the submitters: PubMed 16917894; PubMed 12111668.

NC_000023.11:g.(?_31627663)_(31820093_?)dup

Gene: DMD (dystrophin; minus strand). Cytogenetic location: Xp21.1.
Variant type: Duplication.
Identifiers: ClinVar variation 832974 (VCV000832974.1).